The following is an entry in ClinVar:

ClinVar aggregate classification (germline): Conflicting classifications of pathogenicity. Review status: criteria provided, conflicting classifications (1 of 4 stars). 5 submissions from 5 submitters: Likely pathogenic (1); Uncertain significance (3). 1 of the submissions does not count toward it. Last evaluated 2025-11-03.

Conditions:
Ichthyosis and erythrokeratoderma.
Autosomal recessive congenital ichthyosis 3 (ARCI3). Also called: ICHTHYOSIS, LAMELLAR, 5. Identifiers: MedGen C3539888, MONDO:0011680, OMIM 606545.

Allele frequency attached by ClinVar (database versions not stated): ExAC 0.00009; gnomAD 0.00003 and 0.00004; gnomAD exomes 0.00006 and 0.00005; TOPMed 0.00006; ESP Exome Variant Server 0.00023.
gnomAD v4.1: 92 of 1,613,472 alleles (0.0057%); highest among the groups gnomAD compares: Non-Finnish European, 0.0075%; no homozygotes.

Submissions (5):

Genetics Laboratory, Great Ormond Street Hospital NHS Foundation Trust, North Thames Genomic Laboratory Hub
Classification: Likely pathogenic for Ichthyosis and erythrokeratoderma. Last evaluated: 2025-11-03. Review status: criteria provided, single submitter. Criteria: ACGS Best Practice Guidelines for Variant Classification in Rare Disease 2024 v1.2. Collection method: clinical testing. Allele origin: germline. Affected: yes.
Comment: PP3_supporting, PM3_strong, PP4_supporting

Labcorp Genetics (formerly Invitae), Labcorp
Classification: Uncertain significance. Last evaluated: 2024-12-02. Review status: criteria provided, single submitter. Criteria: Invitae Variant Classification Sherloc (09022015). Collection method: clinical testing. Allele origin: germline.
Comment: This sequence change replaces glutamine, which is neutral and polar, with proline, which is neutral and non-polar, at codon 344 of the ALOXE3 protein (p.Gln344Pro). This variant is present in population databases (rs142781546, gnomAD 0.01%). This missense change has been observed in individual(s) with clinical features of congenital ichthyosis (PMID: 31642606). This variant is also known as c.1427A>C. ClinVar contains an entry for this variant (Variation ID: 995467). Invitae Evidence Modeling of protein sequence and biophysical properties (such as structural, functional, and spatial information, amino acid conservation, physicochemical variation, residue mobility, and thermodynamic stability) indicates that this missense variant is expected to disrupt ALOXE3 protein function with a positive predictive value of 80%. In summary, the available evidence is currently insufficient to determine the role of this variant in disease. Therefore, it has been classified as a Variant of Uncertain Significance.

GeneDx
Classification: Uncertain significance. Last evaluated: 2019-06-24. Review status: criteria provided, single submitter. Criteria: GeneDx Variant Classification Process June 2021. Collection method: clinical testing. Allele origin: germline. Affected: yes.
Comment: In silico analysis, which includes protein predictors and evolutionary conservation, supports a deleterious effect; Has not been previously published as pathogenic or benign to our knowledge; This variant is associated with the following publications: (PMID: 31642606)

Breakthrough Genomics
Classification: Uncertain significance. Review status: criteria provided, single submitter. Criteria: ACMG Guidelines, 2015. Collection method: not provided. Allele origin: germline. Inheritance: Autosomal recessive inheritance. Affected: yes.

Institute for Human Genetics, University Medical Center Freiburg
Classification: Pathogenic for Autosomal recessive congenital ichthyosis 3. Last evaluated: 2021-01-07. Review status: no assertion criteria provided. Collection method: clinical testing. Allele origin: unknown. Affected: yes. Not counted in ClinVar's aggregate classification.

Literature cited by the submitters: PubMed 31642606 (cited by Labcorp Genetics (formerly Invitae), Labcorp).

NM_021628.3(ALOXE3):c.1031A>C (p.Gln344Pro)

Genes: ALOXE3 (arachidonate epidermal lipoxygenase 3; minus strand), LOC130060198 (ATAC-STARR-seq lymphoblastoid silent region 8151; plus strand). Cytogenetic location: 17p13.1.
Variant type: single nucleotide variant.
Coding change: c.1031A>C on transcript NM_021628.3 (MANE Select); coding-DNA position 1031, A replaced by C.
Protein change: p.Gln344Pro; replaces glutamine 344 with proline.
Molecular consequence: missense variant.
Genome position (GRCh38, 1-based): chr17:8,110,455, T>G on the plus strand (A>C on the coding strand, the complement: ALOXE3 is on the minus strand). VCF-style: chr17-8110455-T-G. GRCh37 (hg19) VCF-style: chr17-8013773-T-G.
Other names: c.1427A>C, p.Gln476Pro (NM_001165960.1); c.1028A>C, p.Gln343Pro (NM_001369446.1); short protein forms Q343P, Q344P, Q476P.
Identifiers: ClinVar variation 995467 (VCV000995467.9), dbSNP rs142781546, ClinGen allele CA8368215.